The following is an entry in ClinVar:

NM_021738.3(SVIL):c.2568A>G (p.Thr856=)

Gene: SVIL (supervillin; minus strand). Cytogenetic location: 10p11.23.
Variant type: single nucleotide variant.
Coding change: c.2568A>G on transcript NM_021738.3 (MANE Select); coding-DNA position 2568, A replaced by G.
Protein change: p.Thr856=; no amino-acid change (threonine 856 retained).
Molecular consequence: synonymous variant.
Genome position (GRCh38, 1-based): chr10:29,524,490, T>C on the plus strand (A>G on the coding strand, the complement: SVIL is on the minus strand). VCF-style: chr10-29524490-T-C. GRCh37 (hg19) VCF-style: chr10-29813419-T-C.
Other names: c.1638A>G, p.Thr546= (NM_001323599.2); c.1386A>G, p.Thr462= (NM_001323600.1); c.1290A>G, p.Thr430= (NM_003174.3).
Identifiers: ClinVar variation 4534266 (VCV004534266.6).

ClinVar aggregate classification (germline): Likely benign (1 of 4 stars; one submission).

gnomAD v4.1: 114 of 1,614,058 alleles (0.0071%); highest among the groups gnomAD compares: Non-Finnish European, 0.0092%; no homozygotes.

Submission:

CeGaT Center for Human Genetics Tuebingen
Classification: Likely benign. Last evaluated: 2025-10-01. Review status: criteria provided, single submitter. Criteria: CeGaT Center For Human Genetics Tuebingen Variant Classification Criteria Version 2. Collection method: clinical testing. Allele origin: germline. Affected: yes. Observed: 1 variant allele.
Comment: SVIL: BP4, BP7